The following is an entry in ClinVar:

NM_001197104.2(KMT2A):c.6868G>A (p.Glu2290Lys)

Gene: KMT2A (lysine methyltransferase 2A; plus strand). Cytogenetic location: 11q23.3.
Variant type: single nucleotide variant.
Coding change: c.6868G>A on transcript NM_001197104.2 (MANE Select); coding-DNA position 6868, G replaced by A.
Protein change: p.Glu2290Lys; replaces glutamic acid 2290 with lysine.
Molecular consequence: missense variant.
Genome position (GRCh38, 1-based): chr11:118,502,760, G>A. VCF-style: chr11-118502760-G-A. GRCh37 (hg19) VCF-style: chr11-118373475-G-A.
Other names: c.6958G>A, p.Glu2320Lys (NM_001412597.1); c.6859G>A, p.Glu2287Lys (NM_005933.4); short protein forms E2287K, E2290K, E2320K.
Identifiers: ClinVar variation 2629524 (VCV002629524.3), dbSNP rs1555046198, ClinGen allele CA382803292.
Genomic context (GRCh38, chr11:118,502,760, plus strand): 5'-CAAAGGACAGTGGTTACTGTAGGCAATAAAAACAGTCACTTGGATGGATCTTCATCTTCA[G>A]AAATGAAGCAGTCCAGTGCTTCAGACTTGGTGTCCAAGAGCTCCTCTTTAAAGGGAGAGA-3'
Protein context (NP_001184033.1, residues 2280-2300): NSHLDGSSSS[Glu2290Lys]MKQSSASDLV

ClinVar aggregate classification (germline): Uncertain significance. Review status: criteria provided, multiple submitters, no conflicts (2 of 4 stars). 2 submissions from 2 submitters: Uncertain significance (2). Last evaluated 2025-09-10.

Conditions:
KMT2A-related disorder. Also called: KMT2A-related condition.

Allele frequency attached by ClinVar (database versions not stated): gnomAD exomes 0.00001; TOPMed below 0.00001; gnomAD 0.00001.
gnomAD v4.1: 14 of 1,614,026 alleles (0.00087%); highest among the groups gnomAD compares: Non-Finnish European, 0.0011%; no homozygotes.

Submissions (2):

Labcorp Genetics (formerly Invitae), Labcorp
Classification: Uncertain significance. Last evaluated: 2025-09-10. Review status: criteria provided, single submitter. Criteria: Invitae Variant Classification Sherloc (09022015). Collection method: clinical testing. Allele origin: germline.
Comment: This sequence change replaces glutamic acid, which is acidic and polar, with lysine, which is basic and polar, at codon 2290 of the KMT2A protein (p.Glu2290Lys). This variant is not present in population databases (gnomAD no frequency). This variant has not been reported in the literature in individuals affected with KMT2A-related conditions. ClinVar contains an entry for this variant (Variation ID: 2629524). Invitae Evidence Modeling of protein sequence and biophysical properties (such as structural, functional, and spatial information, amino acid conservation, physicochemical variation, residue mobility, and thermodynamic stability) indicates that this missense variant is not expected to disrupt KMT2A protein function with a negative predictive value of 95%. In summary, the available evidence is currently insufficient to determine the role of this variant in disease. Therefore, it has been classified as a Variant of Uncertain Significance.

PreventionGenetics, part of Exact Sciences
Classification: Uncertain significance for KMT2A-related condition. Last evaluated: 2023-09-07. Review status: criteria provided, single submitter. Criteria: ACMG Guidelines, 2015. Collection method: clinical testing. Allele origin: germline.
Comment: The KMT2A c.6868G>A variant is predicted to result in the amino acid substitution p.Glu2290Lys. To our knowledge, this variant has not been reported in the literature or in a large population database, indicating this variant is rare. At this time, the clinical significance of this variant is uncertain due to the absence of conclusive functional and genetic evidence.